The following is an entry in ClinVar:

NM_000532.5(PCCB):c.1127G>A (p.Arg376His)

Gene: PCCB (propionyl-CoA carboxylase subunit beta; plus strand). Cytogenetic location: 3q22.3.
Variant type: single nucleotide variant.
Coding change: c.1127G>A on transcript NM_000532.5 (MANE Select); coding-DNA position 1127, G replaced by A.
Protein change: p.Arg376His; replaces arginine 376 with histidine.
Molecular consequence: missense variant.
Genome position (GRCh38, 1-based): chr3:136,326,839, G>A. VCF-style: chr3-136326839-G-A. GRCh37 (hg19) VCF-style: chr3-136045681-G-A.
Other names: c.1187G>A, p.Arg396His (NM_001178014.2); short protein forms R376H, R396H.
Identifiers: ClinVar variation 558201 (VCV000558201.24), dbSNP rs142982097, ClinGen allele CA2632025.

ClinVar aggregate classification (germline): Conflicting classifications of pathogenicity. Review status: criteria provided, conflicting classifications (1 of 4 stars). 10 submissions from 10 submitters: Likely pathogenic (7); Uncertain significance (2). 1 of the submissions does not count toward it. Last evaluated 2026-01-14.

Conditions:
Propionic acidemia (PROP). Also called: GLYCINEMIA, KETOTIC; HYPERGLYCINEMIA WITH KETOACIDOSIS AND LEUKOPENIA; KETOTIC HYPERGLYCINEMIA. Identifiers: Orphanet 35, MedGen C0268579, MONDO:0011628, OMIM 606054, HP:0003571.

Allele frequency attached by ClinVar (database versions not stated): gnomAD exomes 0.00001 and 0.00003; ExAC 0.00003; gnomAD 0.00005 and 0.00006; TOPMed 0.00011; ESP Exome Variant Server 0.00031; 1000 Genomes Project 0.00060; 1000 Genomes Project 30x 0.00062.
gnomAD v4.1: 25 of 1,612,720 alleles (0.0016%); highest among the groups gnomAD compares: African/African-American, 0.016%; no homozygotes.

Submissions (10):

Labcorp Genetics (formerly Invitae), Labcorp
Classification: Likely pathogenic for Propionic acidemia. Last evaluated: 2026-01-14. Review status: criteria provided, single submitter. Criteria: Invitae Variant Classification Sherloc (09022015). Collection method: clinical testing. Allele origin: germline.
Comment: This sequence change replaces arginine, which is basic and polar, with histidine, which is basic and polar, at codon 376 of the PCCB protein (p.Arg376His). This variant is present in population databases (rs142982097, gnomAD 0.02%). This missense change has been observed in individual(s) with propionic acidemia (PMID: 27900673, 31828787). ClinVar contains an entry for this variant (Variation ID: 558201). Invitae Evidence Modeling of protein sequence and biophysical properties (such as structural, functional, and spatial information, amino acid conservation, physicochemical variation, residue mobility, and thermodynamic stability) has been performed for this missense variant. However, the output from this modeling did not meet the statistical confidence thresholds required to predict the impact of this variant on PCCB protein function. This variant disrupts the p.Arg376 amino acid residue in PCCB. Other variant(s) that disrupt this residue have been observed in individuals with PCCB-related conditions (PMID: 19342984, 22033733), which suggests that this may be a clinically significant amino acid residue. In summary, the currently available evidence indicates that the variant is pathogenic, but additional data are needed to prove that conclusively. Therefore, this variant has been classified as Likely Pathogenic.

CeGaT Center for Human Genetics Tuebingen
Classification: Likely pathogenic. Last evaluated: 2025-10-01. Review status: criteria provided, single submitter. Criteria: CeGaT Center For Human Genetics Tuebingen Variant Classification Criteria Version 2. Collection method: clinical testing. Allele origin: germline. Affected: yes. Observed: 1 variant allele.
Comment: PCCB: PM2, PM5, PM3:Supporting, PP3

Women's Health and Genetics/Laboratory Corporation of America, LabCorp
Classification: Likely pathogenic for Propionic acidemia. Last evaluated: 2025-06-09. Review status: criteria provided, single submitter. Criteria: LabCorp Variant Classification Summary - May 2015. Collection method: clinical testing. Allele origin: germline.
Comment: Variant summary: PCCB c.1127G>A (p.Arg376His) results in a non-conservative amino acid change in the encoded protein sequence. Algorithms developed to predict the effect of missense changes on protein structure and function all suggest that this variant is likely to be disruptive. The variant allele was found at a frequency of 2.8e-05 in 251386 control chromosomes. c.1127G>A has been observed in compound heterozygous or homozygous genotype in individuals affected with Propionic Acidemia (Cappuccio_2017, Haijes_2020). These data indicate that the variant is likely to be associated with disease. To our knowledge, no experimental evidence demonstrating an impact on protein function has been reported. The following publications have been ascertained in the context of this evaluation (PMID: 27900673, 31828787). ClinVar contains an entry for this variant (Variation ID: 558201). Based on the evidence outlined above, the variant was classified as likely pathogenic.

Natera, Inc.
Classification: Likely pathogenic for Propionic acidemia. Last evaluated: 2025-04-17. Review status: criteria provided, single submitter. Criteria: Natera Variant Classification Schema (03/2026). Collection method: clinical testing. Allele origin: germline.
Comment: The c.1127G>A variant in PCCB is a missense variant predicted to cause substitution of arginine to histidine at amino acid 376. This variant is rare in the general population with a frequency below the threshold expected for the associated phenotype(s). This variant has been observed in one or more individuals affected with the associated recessive disease, as either homozygous or compound heterozygous with a second variant (PMID: 30159853, 27900673). A different variant at the same position has been determined to be Pathogenic or Likely Pathogenic. Computational prediction algorithms indicate this variant is likely to affect gene or protein function. Given the available evidence, this variant is classified as Likely Pathogenic.

GeneDx
Classification: Uncertain significance. Last evaluated: 2025-02-06. Review status: criteria provided, single submitter. Criteria: GeneDx Variant Classification Process June 2021. Collection method: clinical testing. Allele origin: germline. Affected: yes.
Comment: In silico analysis supports that this missense variant has a deleterious effect on protein structure/function; Reported as heterozygous with another variant in the PCCB gene in an individual with propionic acidemia (PMID: 27900673); This variant is associated with the following publications: (PMID: 22033733, 19342984, 27900673)

Blueprint Genetics
Classification: Uncertain significance. Last evaluated: 2024-10-04. Review status: criteria provided, single submitter. Criteria: ACMG Guidelines, 2015. Collection method: clinical testing. Allele origin: germline.

Fulgent Genetics
Classification: Likely pathogenic for Propionic acidemia. Last evaluated: 2024-06-19. Review status: criteria provided, single submitter. Criteria: ACMG Guidelines, 2015. Collection method: clinical testing. Allele origin: germline.

Baylor Genetics
Classification: Likely pathogenic for Propionic acidemia. Last evaluated: 2024-03-12. Review status: criteria provided, single submitter. Criteria: ACMG Guidelines, 2015. Collection method: clinical testing. Allele origin: unknown.

Juno Genomics, Hangzhou Juno Genomics, Inc
Classification: Likely pathogenic for Propionic acidemia. Review status: criteria provided, single submitter. Criteria: ACMG Guidelines, 2015. Collection method: clinical testing. Allele origin: germline.
Comment: Absent from controls (or at extremely low frequency if recessive) in Genome Aggregation Database.;Multiple lines of computational evidence support a deleterious effect on the gene or gene product.;For recessive disorders, detected in trans with a pathogenic variant.;Patient's phenotype or family history is highly specific for a disease with a single genetic etiology.;Co-segregation with disease in multiple affected family members.

Counsyl
Classification: Uncertain significance for Propionic acidemia. Last evaluated: 2018-05-04. Review status: no assertion criteria provided. Collection method: clinical testing. Allele origin: unknown. Not counted in ClinVar's aggregate classification.

Literature cited by the submitters: PubMed 27900673 (cited by 4 submitters); PubMed 31828787 (cited by Labcorp Genetics (formerly Invitae), Labcorp and Women's Health and Genetics/Laboratory Corporation of America, LabCorp); PubMed 19342984 (cited by Labcorp Genetics (formerly Invitae), Labcorp); PubMed 22033733 (cited by Labcorp Genetics (formerly Invitae), Labcorp); PubMed 30159853 (cited by Natera, Inc.).